The following is an entry in ClinVar:

NM_000350.3(ABCA4):c.6283-7C>A

Gene: ABCA4 (ATP binding cassette subfamily A member 4; minus strand). Cytogenetic location: 1p22.1.
Variant type: single nucleotide variant.
Coding change: c.6283-7C>A on transcript NM_000350.3 (MANE Select); 7 bases into the intron before coding-DNA position 6283, C replaced by A.
Molecular consequence: intron variant.
Genome position (GRCh38, 1-based): chr1:94,001,112, G>T on the plus strand (C>A on the coding strand, the complement: ABCA4 is on the minus strand). VCF-style: chr1-94001112-G-T. GRCh37 (hg19) VCF-style: chr1-94466668-G-T.
Identifiers: ClinVar variation 939206 (VCV000939206.8), dbSNP rs377629178, ClinGen allele CA956917.

ClinVar aggregate classification (germline): Likely benign. Review status: criteria provided, multiple submitters, no conflicts (2 of 4 stars). 2 submissions from 2 submitters: Likely benign (2). Last evaluated 2025-08-04.

Conditions:
ABCA4-related disorder. Also called: ABCA4-related condition; ABCA4-related disorders. Identifiers: MedGen CN239167.

Allele frequency attached by ClinVar (database versions not stated): gnomAD exomes 0.00004; ExAC 0.00007; gnomAD 0.00013 and 0.00014; TOPMed 0.00014; ESP Exome Variant Server 0.00015.
gnomAD v4.1: 49 of 1,611,444 alleles (0.003%); highest among the groups gnomAD compares: African/African-American, 0.061%; 1 homozygote.

Submissions (2):

Labcorp Genetics (formerly Invitae), Labcorp
Classification: Likely benign. Last evaluated: 2025-08-04. Review status: criteria provided, single submitter. Criteria: Invitae Variant Classification Sherloc (09022015). Collection method: clinical testing. Allele origin: germline.

PreventionGenetics, part of Exact Sciences
Classification: Likely benign for ABCA4-related condition. Last evaluated: 2025-07-01. Review status: criteria provided, single submitter. Criteria: ACMG Guidelines, 2015. Collection method: clinical testing. Allele origin: germline.
Comment: This variant is classified as likely benign based on ACMG/AMP sequence variant interpretation guidelines (Richards et al. 2015 PMID: 25741868, with internal and published modifications).